The following is an entry in ClinVar:

ClinVar aggregate classification (germline): Uncertain significance (1 of 4 stars; one submission).

Conditions:
Developmental and epileptic encephalopathy 94 (DEE94). Also called: Epileptic encephalopathy, childhood-onset; CHD2-Related Neurodevelopmental Disorders. Identifiers: Orphanet 1942, Orphanet 2382, MedGen C3809278, MONDO:0014150, OMIM 615369.

Allele frequency attached by ClinVar (database versions not stated): gnomAD exomes below 0.00001.
gnomAD v4.1: 2 of 1,607,392 alleles (0.00012%); highest among the groups gnomAD compares: South Asian, 0.0011%; no homozygotes.

Submission:

Labcorp Genetics (formerly Invitae), Labcorp
Classification: Uncertain significance for Developmental and epileptic encephalopathy 94. Last evaluated: 2024-03-11. Review status: criteria provided, single submitter. Criteria: Invitae Variant Classification Sherloc (09022015). Collection method: clinical testing. Allele origin: germline.
Comment: This sequence change replaces phenylalanine, which is neutral and non-polar, with leucine, which is neutral and non-polar, at codon 670 of the CHD2 protein (p.Phe670Leu). This variant is present in population databases (no rsID available, gnomAD 0.003%). This variant has not been reported in the literature in individuals affected with CHD2-related conditions. ClinVar contains an entry for this variant (Variation ID: 1431312). Advanced modeling of protein sequence and biophysical properties (such as structural, functional, and spatial information, amino acid conservation, physicochemical variation, residue mobility, and thermodynamic stability) performed at Invitae indicates that this missense variant is not expected to disrupt CHD2 protein function with a negative predictive value of 95%. In summary, the available evidence is currently insufficient to determine the role of this variant in disease. Therefore, it has been classified as a Variant of Uncertain Significance.

NM_001271.4(CHD2):c.2010T>G (p.Phe670Leu)

Gene: CHD2 (chromodomain helicase DNA binding protein 2; plus strand). Cytogenetic location: 15q26.1.
Variant type: single nucleotide variant.
Coding change: c.2010T>G on transcript NM_001271.4 (MANE Select); coding-DNA position 2010, T replaced by G.
Protein change: p.Phe670Leu; replaces phenylalanine 670 with leucine.
Molecular consequence: missense variant.
Genome position (GRCh38, 1-based): chr15:92,967,334, T>G. VCF-style: chr15-92967334-T-G. GRCh37 (hg19) VCF-style: chr15-93510564-T-G.
Other names: short protein forms F670L.
Identifiers: ClinVar variation 1431312 (VCV001431312.8), dbSNP rs1165969857, ClinGen allele CA393906999.